The following is an entry in ClinVar:

ClinVar aggregate classification (germline): Uncertain significance (1 of 4 stars; one submission).

Conditions:
Cardiovascular phenotype. Identifiers: MedGen CN230736.

Submission:

Ambry Genetics
Classification: Uncertain significance for Cardiovascular phenotype. Last evaluated: 2025-05-24. Review status: criteria provided, single submitter. Criteria: Ambry Variant Classification Scheme 2023. Collection method: clinical testing. Allele origin: germline.
Comment: The p.T1360R variant (also known as c.4079C>G), located in coding exon 10 of the TNXB gene, results from a C to G substitution at nucleotide position 4079. The threonine at codon 1360 is replaced by arginine, an amino acid with similar properties. This amino acid position is conserved. In addition, this alteration is predicted to be tolerated by in silico analysis. Based on the available evidence, the clinical significance of this variant remains unclear.

NM_001365276.2(TNXB):c.4079C>G (p.Thr1360Arg)

Gene: TNXB (tenascin XB; minus strand). Cytogenetic location: 6p21.33.
Variant type: single nucleotide variant.
Coding change: c.4079C>G on transcript NM_001365276.2 (MANE Select); coding-DNA position 4079, C replaced by G.
Protein change: p.Thr1360Arg; replaces threonine 1360 with arginine.
Molecular consequence: missense variant.
Genome position (GRCh38, 1-based): chr6:32,079,329, G>C on the plus strand (C>G on the coding strand, the complement: TNXB is on the minus strand). VCF-style: chr6-32079329-G-C. GRCh37 (hg19) VCF-style: chr6-32047106-G-C.
Other names: c.4820C>G, p.Thr1607Arg (NM_001428335.1); c.4079C>G, p.Thr1360Arg (NM_019105.8); short protein forms T1360R, T1607R.
Identifiers: ClinVar variation 3972036 (VCV003972036.1).